The following is an entry in ClinVar:

ClinVar aggregate classification (germline): Pathogenic. Review status: criteria provided, multiple submitters, no conflicts (2 of 4 stars). 3 submissions from 3 submitters: Pathogenic (3). Last evaluated 2023-04-11.

Conditions:
Usher syndrome type 2A. Also called: RETINAL DISEASE IN USHER SYNDROME TYPE IIA, MODIFIER OF; USHER SYNDROME, TYPE IIA. Identifiers: Orphanet 231178, Orphanet 886, MedGen C1848634, MONDO:0010169, OMIM 276901.

Allele frequency attached by ClinVar (database versions not stated): gnomAD exomes below 0.00001.
gnomAD v4.1: 1 of 1,612,440 alleles (0.000062%); highest among the groups gnomAD compares: South Asian, 0.0011%; no homozygotes.

Submissions (3):

Genome-Nilou Lab
Classification: Pathogenic for Usher syndrome type 2A. Last evaluated: 2023-04-11. Review status: criteria provided, single submitter. Criteria: ACMG Guidelines, 2015. Collection method: clinical testing. Allele origin: germline. Affected: no.

Labcorp Genetics (formerly Invitae), Labcorp
Classification: Pathogenic. Last evaluated: 2022-08-01. Review status: criteria provided, single submitter. Criteria: Invitae Variant Classification Sherloc (09022015). Collection method: clinical testing. Allele origin: germline.
Comment: For these reasons, this variant has been classified as Pathogenic. Algorithms developed to predict the effect of sequence changes on RNA splicing suggest that this variant may disrupt the consensus splice site. ClinVar contains an entry for this variant (Variation ID: 812103). Disruption of this splice site has been observed in individual(s) with Usher syndrome (PMID: 27460420). This variant is not present in population databases (gnomAD no frequency). This sequence change affects a donor splice site in intron 34 of the USH2A gene. It is expected to disrupt RNA splicing. Variants that disrupt the donor or acceptor splice site typically lead to a loss of protein function (PMID: 16199547), and loss-of-function variants in USH2A are known to be pathogenic (PMID: 10729113, 10909849, 20507924, 25649381).

Centre for Genomic Medicine, Manchester, Central Manchester University Hospitals
Classification: Pathogenic for Usher syndrome type 2A. Last evaluated: 2019-02-01. Review status: criteria provided, single submitter. Criteria: ACMG Guidelines, 2015. Collection method: clinical testing. Allele origin: germline. Affected: yes. Observed: 1 variant allele, 1 homozygote.

Literature cited by the submitters: PubMed 27460420 (cited by Labcorp Genetics (formerly Invitae), Labcorp); PubMed 16199547 (cited by Labcorp Genetics (formerly Invitae), Labcorp); PubMed 10729113 (cited by Labcorp Genetics (formerly Invitae), Labcorp); PubMed 10909849 (cited by Labcorp Genetics (formerly Invitae), Labcorp); PubMed 20507924 (cited by Labcorp Genetics (formerly Invitae), Labcorp); PubMed 25649381 (cited by Labcorp Genetics (formerly Invitae), Labcorp).

NM_206933.4(USH2A):c.6657+1G>A

Gene: USH2A (usherin; minus strand). Cytogenetic location: 1q41.
Variant type: single nucleotide variant.
Coding change: c.6657+1G>A on transcript NM_206933.4 (MANE Select); the canonical splice donor site of the intron after coding-DNA position 6657, G replaced by A.
Molecular consequence: splice donor variant.
Genome position (GRCh38, 1-based): chr1:215,998,886, C>T on the plus strand (G>A on the coding strand, the complement: USH2A is on the minus strand). VCF-style: chr1-215998886-C-T. GRCh37 (hg19) VCF-style: chr1-216172228-C-T.
Identifiers: ClinVar variation 812103 (VCV000812103.7), dbSNP rs1571876788, ClinGen allele CA344860872.